The following is an entry in ClinVar:

ClinVar aggregate classification (germline): Pathogenic (1 of 4 stars; one submission).

Conditions:
Hereditary cancer-predisposing syndrome. Also called: Neoplastic Syndromes, Hereditary; Tumor predisposition; Hereditary Cancer Syndrome; Hereditary neoplastic syndrome. Identifiers: Orphanet 140162, MedGen C0027672, MeSH D009386, MONDO:0015356.

Submission:

Color Diagnostics, LLC DBA Color Health
Classification: Pathogenic for Hereditary cancer-predisposing syndrome. Last evaluated: 2019-09-30. Review status: criteria provided, single submitter. Criteria: ACMG Guidelines, 2015. Collection method: clinical testing. Allele origin: germline.
Comment: This variant inserts 2 nucleotides in exon 9 of the MSH6 gene, creating a frameshift and premature translation stop signal. This variant is expected to result in an absent or non-functional protein product. Splice site prediction tools suggest that this variant may not impact RNA splicing. To our knowledge, functional studies have not been performed for this variant. This variant has not been reported in individuals affected with hereditary cancer in the literature. This variant has not been identified in the general population by the Genome Aggregation Database (gnomAD). Loss of MSH6 function is a known mechanism of disease. Based on the available evidence, this variant is classified as Pathogenic.

NM_000179.3(MSH6):c.3951_3952dup (p.Arg1318fs)

Gene: MSH6 (mutS homolog 6; plus strand). Cytogenetic location: 2p16.3.
Variant type: Duplication.
Coding change: c.3951_3952dup on transcript NM_000179.3 (MANE Select); coding-DNA positions 3951 to 3952, 2 bases duplicated (TA; older notation c.3951_3952dupTA).
Protein change: p.Arg1318fs; shifts the reading frame from arginine 1318.
Molecular consequence: frameshift variant.
Genome position (GRCh38, 1-based): chr2:47,806,601-47,806,602, TA duplicated; duplicating any 2 consecutive bases within chr2:47,806,600-47,806,602 gives the same sequence; the c. name uses the placement nearest the transcript's 3' end. VCF-style (leftmost placement, unchanged base first): chr2-47806599-C-CAT. GRCh37 (hg19) VCF-style: chr2-48033738-C-CAT.
Other names: c.3561_3562dup, p.Arg1188fs (NM_001281492.2); c.3045_3046dup, p.Arg1016fs (NM_001281493.2, NM_001281494.2); short protein forms R1318fs, R1016fs, R1188fs.
Identifiers: ClinVar variation 918288 (VCV000918288.3), dbSNP rs1114167790, ClinGen allele CA1139656985.